The following is an entry in ClinVar:

NM_001372078.1(REV3L):c.1486A>G (p.Thr496Ala)

Gene: REV3L (REV3 like, DNA directed polymerase zeta catalytic subunit; minus strand). Cytogenetic location: 6q21.
Variant type: single nucleotide variant.
Coding change: c.1486A>G on transcript NM_001372078.1 (MANE Select); coding-DNA position 1486, A replaced by G.
Protein change: p.Thr496Ala; replaces threonine 496 with alanine.
Molecular consequence: missense variant.
Genome position (GRCh38, 1-based): chr6:111,377,812, T>C on the plus strand (A>G on the coding strand, the complement: REV3L is on the minus strand). VCF-style: chr6-111377812-T-C. GRCh37 (hg19) VCF-style: chr6-111699015-T-C.
Other names: c.1252A>G, p.Thr418Ala (NM_001286431.2, NM_001286432.2); c.1486A>G, p.Thr496Ala (NM_002912.5); short protein forms T418A, T496A.
Identifiers: ClinVar variation 714318 (VCV000714318.7), dbSNP rs150450230, ClinGen allele CA3962528.

ClinVar aggregate classification (germline): Likely benign. Review status: criteria provided, multiple submitters, no conflicts (2 of 4 stars). 3 submissions from 3 submitters: Likely benign (2). 1 of the submissions does not count toward it. Last evaluated 2019-12-31.

Conditions:
REV3L-related disorder. Also called: REV3L-related condition.

Allele frequency attached by ClinVar (database versions not stated): gnomAD exomes 0.00020; ExAC 0.00033; 1000 Genomes Project 0.00060; 1000 Genomes Project 30x 0.00062; TOPMed 0.00080; ESP Exome Variant Server 0.00085; gnomAD 0.00087 and 0.00094.
gnomAD v4.1: 243 of 1,612,734 alleles (0.015%); highest among the groups gnomAD compares: African/African-American, 0.27%; 1 homozygote.

Submissions (3):

Labcorp Genetics (formerly Invitae), Labcorp
Classification: Likely benign. Last evaluated: 2019-12-31. Review status: criteria provided, single submitter. Criteria: Invitae Variant Classification Sherloc (09022015). Collection method: clinical testing. Allele origin: germline.

Breakthrough Genomics
Classification: Likely benign. Review status: criteria provided, single submitter. Criteria: ACMG Guidelines, 2015. Collection method: not provided. Allele origin: germline. Inheritance: Unknown mechanism. Affected: yes.

PreventionGenetics, part of Exact Sciences
Classification: Likely benign for REV3L-related condition. Last evaluated: 2023-04-17. Review status: no assertion criteria provided. Collection method: clinical testing. Allele origin: germline. Not counted in ClinVar's aggregate classification.
Comment: This variant is classified as likely benign based on ACMG/AMP sequence variant interpretation guidelines (Richards et al. 2015 PMID: 25741868, with internal and published modifications).